The following is an entry in ClinVar:

ClinVar aggregate classification (germline): Uncertain significance (1 of 4 stars; one submission).

Conditions:
Fanconi anemia (FA). Also called: Fanconi's anemia. Identifiers: Orphanet 84, MedGen C0015625, MeSH D005199, MONDO:0019391.

Submission:

Labcorp Genetics (formerly Invitae), Labcorp
Classification: Uncertain significance for Fanconi anemia. Last evaluated: 2021-08-12. Review status: criteria provided, single submitter. Criteria: Invitae Variant Classification Sherloc (09022015). Collection method: clinical testing. Allele origin: germline.
Comment: This variant results in a copy number gain of the genomic region encompassing exon(s) 11-14 of the FANCD2 gene. While the exact position of this variant cannot be determined from the data, sub-genic copy number gains are generally in tandem (PMID: 25640679). This variant is predicted to be in-frame, and likely preserves the integrity of the reading frame. A similar copy number variant has been observed in individual(s) with Fanconi anemia (PMID: 17436244). Experimental studies and prediction algorithms are not available or were not evaluated, and the functional significance of this variant is currently unknown. In summary, the available evidence is currently insufficient to determine the role of this variant in disease. Therefore, it has been classified as a Variant of Uncertain Significance.

Literature cited by the submitters: PubMed 25640679; PubMed 17436244.

NC_000003.11:g.(?_10084233)_(10085558_?)dup

Gene: FANCD2 (FA complementation group D2; plus strand). Cytogenetic location: 3p25.3.
Variant type: Duplication.
Identifiers: ClinVar variation 1469690 (VCV001469690.5).